The following is an entry in ClinVar:

ClinVar aggregate classification (germline): Conflicting classifications of pathogenicity. Review status: criteria provided, conflicting classifications (1 of 4 stars). 2 submissions from 2 submitters: Likely pathogenic (1); Uncertain significance (1). Last evaluated 2021-12-23.

Conditions:
Hearing impairment. Also called: Impaired Hearing. Identifiers: MedGen C1384666, MONDO:0005365, HP:0000365.

Allele frequency attached by ClinVar (database versions not stated): gnomAD exomes below 0.00001.
gnomAD v4.1: 2 of 1,612,404 alleles (0.00012%); highest among the groups gnomAD compares: Non-Finnish European, 0.00017%; no homozygotes.

Submissions (2):

Labcorp Genetics (formerly Invitae), Labcorp
Classification: Uncertain significance. Last evaluated: 2021-12-23. Review status: criteria provided, single submitter. Criteria: Invitae Variant Classification Sherloc (09022015). Collection method: clinical testing. Allele origin: germline.
Comment: This sequence change replaces glycine, which is neutral and non-polar, with glutamic acid, which is acidic and polar, at codon 278 of the CDH23 protein (p.Gly278Glu). This variant is not present in population databases (gnomAD no frequency). This variant has not been reported in the literature in individuals affected with CDH23-related conditions. ClinVar contains an entry for this variant (Variation ID: 1064915). Algorithms developed to predict the effect of missense changes on protein structure and function are either unavailable or do not agree on the potential impact of this missense change (SIFT: "Deleterious"; PolyPhen-2: "Not Available"; Align-GVGD: "Class C65"). Algorithms developed to predict the effect of sequence changes on RNA splicing suggest that this variant may create or strengthen a splice site. In summary, the available evidence is currently insufficient to determine the role of this variant in disease. Therefore, it has been classified as a Variant of Uncertain Significance.

Department of Otolaryngology – Head & Neck Surgery, Cochlear Implant Center
Classification: Likely pathogenic for Hearing impairment. Last evaluated: 2021-04-12. Review status: criteria provided, single submitter. Criteria: ClinGen HL ACMG Specifications v1. Collection method: clinical testing. Allele origin: germline. Affected: yes.
Comment: PM2_Moderate, PP3_Strong

NM_022124.6(CDH23):c.833G>A (p.Gly278Glu)

Gene: CDH23 (cadherin related 23; plus strand). Cytogenetic location: 10q22.1.
Variant type: single nucleotide variant.
Coding change: c.833G>A on transcript NM_022124.6 (MANE Select); coding-DNA position 833, G replaced by A.
Protein change: p.Gly278Glu; replaces glycine 278 with glutamic acid.
Molecular consequence: missense variant.
Genome position (GRCh38, 1-based): chr10:71,615,504, G>A. VCF-style: chr10-71615504-G-A. GRCh37 (hg19) VCF-style: chr10-73375261-G-A.
Other names: c.833G>A, p.Gly278Glu (NM_001171930.2, NM_001171931.2, NM_001171932.2 and 1 more transcripts); short protein forms G278E.
Identifiers: ClinVar variation 1064915 (VCV001064915.5), dbSNP rs1861130719, ClinGen allele CA377121318.